The following is an entry in ClinVar:

NM_001430.5(EPAS1):c.2385C>G (p.Ser795Arg)

Gene: EPAS1 (endothelial PAS domain protein 1; plus strand). Cytogenetic location: 2p21.
Variant type: single nucleotide variant.
Coding change: c.2385C>G on transcript NM_001430.5 (MANE Select); coding-DNA position 2385, C replaced by G.
Protein change: p.Ser795Arg; replaces serine 795 with arginine.
Molecular consequence: missense variant.
Genome position (GRCh38, 1-based): chr2:46,382,522, C>G. VCF-style: chr2-46382522-C-G. GRCh37 (hg19) VCF-style: chr2-46609661-C-G.
Other names: short protein forms S795R.
Identifiers: ClinVar variation 1790481 (VCV001790481.2), dbSNP rs1383098307, ClinGen allele CA346706196.
Genomic context (GRCh38, chr2:46,382,522, plus strand): 5'-TCCCCTGAGACATCTGCCGCTGCCACAGCCTCCATCTGCCATCAGTCCCGGGGAGAACAG[C>G]AAGAGCAGGTTCCCCCCACAGTGCTACGCCACCCAGTACCAGGACTACAGCCTGTCGTCA-3'
Protein context (NP_001421.2, residues 785-805): PPSAISPGEN[Ser795Arg]KSRFPPQCYA

ClinVar aggregate classification (germline): Uncertain significance (1 of 4 stars; one submission).

Conditions:
Inborn genetic diseases. Identifiers: MedGen C0950123, MeSH D030342.

Allele frequency attached by ClinVar (database versions not stated): gnomAD 0.00001.
gnomAD v4.1: 6 of 1,614,056 alleles (0.00037%); highest among the groups gnomAD compares: African/African-American, 0.0027%; no homozygotes.

Submission:

Ambry Genetics
Classification: Uncertain significance for Inborn genetic diseases. Last evaluated: 2023-12-07. Review status: criteria provided, single submitter. Criteria: Ambry Variant Classification Scheme 2023. Collection method: clinical testing. Allele origin: germline.
Comment: The p.S795R variant (also known as c.2385C>G), located in coding exon 15 of the EPAS1 gene, results from a C to G substitution at nucleotide position 2385. The serine at codon 795 is replaced by arginine, an amino acid with dissimilar properties. This amino acid position is conserved. In addition, this alteration is predicted to be tolerated by in silico analysis. Since supporting evidence is limited at this time, the clinical significance of this alteration remains unclear.